The following is an entry in ClinVar:

ClinVar aggregate classification (germline): Pathogenic (1 of 4 stars; one submission).

Submission:

Labcorp Genetics (formerly Invitae), Labcorp
Classification: Pathogenic. Last evaluated: 2025-07-10. Review status: criteria provided, single submitter. Criteria: Invitae Variant Classification Sherloc (09022015). Collection method: clinical testing. Allele origin: germline.
Comment: This sequence change creates a premature translational stop signal (p.Gln450*) in the IFT74 gene. It is expected to result in an absent or disrupted protein product. Loss-of-function variants in IFT74 are known to be pathogenic (PMID: 33531668). This variant is not present in population databases (gnomAD no frequency). This variant has not been reported in the literature in individuals affected with IFT74-related conditions. ClinVar contains an entry for this variant (Variation ID: 3669613). For these reasons, this variant has been classified as Pathogenic.

Literature cited by the submitters: PubMed 33531668.

NM_025103.4(IFT74):c.1348C>T (p.Gln450Ter)

Gene: IFT74 (intraflagellar transport 74; plus strand). Cytogenetic location: 9p21.2.
Variant type: single nucleotide variant.
Coding change: c.1348C>T on transcript NM_025103.4 (MANE Select); coding-DNA position 1348, C replaced by T.
Protein change: p.Gln450Ter; replaces glutamine 450 with a stop codon.
Molecular consequence: nonsense.
Genome position (GRCh38, 1-based): chr9:27,055,623, C>T. VCF-style: chr9-27055623-C-T. GRCh37 (hg19) VCF-style: chr9-27055621-C-T.
Other names: c.1348C>T, p.Gln450Ter (NM_001099222.3, NM_001099223.3, NM_001349928.2); short protein forms Q450*.
Identifiers: ClinVar variation 3669613 (VCV003669613.2).